The following is an entry in ClinVar:

NM_015215.4(CAMTA1):c.2973C>T (p.Ala991=)

Gene: CAMTA1 (calmodulin binding transcription activator 1; plus strand). Cytogenetic location: 1p36.23.
Variant type: single nucleotide variant.
Coding change: c.2973C>T on transcript NM_015215.4 (MANE Select); coding-DNA position 2973, C replaced by T.
Protein change: p.Ala991=; no amino-acid change (alanine 991 retained).
Molecular consequence: synonymous variant.
Genome position (GRCh38, 1-based): chr1:7,732,506, C>T. VCF-style: chr1-7732506-C-T. GRCh37 (hg19) VCF-style: chr1-7792566-C-T.
Other names: c.2883C>T, p.Ala961= (NM_001349608.2, NM_001349612.2); c.2973C>T, p.Ala991= (NM_001349609.2, NM_001349610.2, NM_001410737.1); c.102C>T, p.Ala34= (NM_001349613.1); c.45C>T, p.Ala15= (NM_001349614.1, NM_001349615.2, NM_001349616.2 and 10 more transcripts); c.2901C>T, p.Ala967= (NM_001410738.1).
Identifiers: ClinVar variation 4085335 (VCV004085335.9).
Genomic context (GRCh38, chr1:7,732,506, plus strand): 5'-AGATAACCAGTTCAGGATGTCCATCCTGGAACGACTGGAGCAGATGGAGAGGAGGATGGC[C>T]GAGATGACGGGGTCCCAGCAGCACAAACAGGCGAGCGGAGGCGGCAGCAGTGGAGGCGGC-3'
Protein context (NP_056030.1, residues 981-1001): ERLEQMERRM[Ala991=]EMTGSQQHKQ

ClinVar aggregate classification (germline): Likely benign. Review status: criteria provided, multiple submitters, no conflicts (2 of 4 stars). 2 submissions from 2 submitters: Likely benign (2). Last evaluated 2025-07-22.

gnomAD v4.1: 7 of 1,613,782 alleles (0.00043%); highest among the groups gnomAD compares: South Asian, 0.0044%; no homozygotes.

Submissions (2):

Women's Health and Genetics/Laboratory Corporation of America, LabCorp
Classification: Likely benign. Last evaluated: 2025-07-22. Review status: criteria provided, single submitter. Criteria: LabCorp Variant Classification Summary - May 2015. Collection method: clinical testing. Allele origin: germline.

CeGaT Center for Human Genetics Tuebingen
Classification: Likely benign. Last evaluated: 2025-07-01. Review status: criteria provided, single submitter. Criteria: CeGaT Center For Human Genetics Tuebingen Variant Classification Criteria Version 2. Collection method: clinical testing. Allele origin: germline. Affected: yes. Observed: 1 variant allele.
Comment: CAMTA1: BP4, BP7